The following is an entry in ClinVar:

NM_201384.3(PLEC):c.4531C>T (p.Arg1511Trp)

Gene: PLEC (plectin; minus strand). Cytogenetic location: 8q24.3.
Variant type: single nucleotide variant.
Coding change: c.4531C>T on transcript NM_201384.3 (MANE Select); coding-DNA position 4531, C replaced by T.
Protein change: p.Arg1511Trp; replaces arginine 1511 with tryptophan.
Molecular consequence: missense variant. On other transcripts: intron variant (1).
Genome position (GRCh38, 1-based): chr8:143,925,398, G>A on the plus strand (C>T on the coding strand, the complement: PLEC is on the minus strand). VCF-style: chr8-143925398-G-A. GRCh37 (hg19) VCF-style: chr8-144999566-G-A.
Other names: c.4612C>T (NM_000445.4); c.4612C>T, p.Arg1538Trp (NM_000445.5); c.4489C>T, p.Arg1497Trp (NM_201378.4); c.4465C>T, p.Arg1489Trp (NM_201379.3); c.4942C>T, p.Arg1648Trp (NM_201380.4); c.4435C>T, p.Arg1479Trp (NM_201381.3); c.4531C>T, p.Arg1511Trp (NM_201382.4); c.4543C>T, p.Arg1515Trp (NM_201383.3); and 1 more; short protein forms R1479W, R1489W, R1497W, R1511W, R1515W, R1538W, R1648W.
Identifiers: ClinVar variation 3761172 (VCV003761172.3).
Genomic context (GRCh38, chr8:143,925,398, plus strand): 5'-TCTCGCGCGCCGCCTCGGCCTCGGCCTTCACGCGCGAGGCCAGCTCCACCTCCGCCTGCC[G>A]CTTACGCTGGCTCTCGTCCTGCACCTGCCTCCGCAAGCGCTCGGCCTCCTCCTGCGCCTG-3'
Protein context (NP_958786.1, residues 1501-1521): RQVQDESQRK[Arg1511Trp]QAEVELASRV

ClinVar aggregate classification (germline): Uncertain significance. Review status: criteria provided, multiple submitters, no conflicts (2 of 4 stars). 2 submissions from 2 submitters: Uncertain significance (2). Last evaluated 2025-10-09.

Conditions:
Epidermolysis bullosa simplex 5C, with pyloric atresia (EBS5C). Also called: PLEC-Related Epidermolysis Bullosa with Pyloric Atresia; Epidermolysis bullosa simplex with pyloric atresia; PLEC1-Related Epidermolysis Bullosa with Pyloric Atresia. Identifiers: Orphanet 158684, MedGen C2677349, MONDO:0012807, OMIM 612138.
Epidermolysis bullosa simplex with nail dystrophy (EBS5D). Identifiers: MedGen C4225309, MONDO:0014661, OMIM 616487.
Epidermolysis bullosa simplex 5B, with muscular dystrophy (EBS5B). Also called: EPIDERMOLYSIS BULLOSA SIMPLEX AND LIMB-GIRDLE MUSCULAR DYSTROPHY; Epidermolysis bullosa simplex with muscular dystrophy. Identifiers: Orphanet 257, MedGen C2931072, MONDO:0009181, OMIM 226670.
Epidermolysis bullosa simplex, Ogna type (EBS5A). Also called: Pidermolysis bullosa simplex 5A, Ogna type; EPIDERMOLYSIS BULLOSA SIMPLEX 5A, OGNA TYPE. Identifiers: Orphanet 79401, MedGen C0432317, MONDO:0007555, OMIM 131950.
Autosomal recessive limb-girdle muscular dystrophy type 2Q (LGMDR17). Also called: MUSCULAR DYSTROPHY, LIMB-GIRDLE, AUTOSOMAL RECESSIVE 17. Identifiers: Orphanet 254361, MedGen C3150989, MONDO:0013390, OMIM 613723.
PLEC-related disorder. Also called: PLEC-related condition; PLEC-related disorders.

gnomAD v4.1: 15 of 1,586,844 alleles (0.00095%); highest among the groups gnomAD compares: Admixed American, 0.0034%; no homozygotes.

Submissions (2):

Labcorp Genetics (formerly Invitae), Labcorp
Classification: Uncertain significance for Autosomal recessive limb-girdle muscular dystrophy type 2Q; Epidermolysis bullosa simplex, Ogna type; Epidermolysis bullosa simplex with nail dystrophy; Epidermolysis bullosa simplex 5C, with pyloric atresia; Epidermolysis bullosa simplex 5B, with muscular dystrophy. Last evaluated: 2025-10-09. Review status: criteria provided, single submitter. Criteria: Invitae Variant Classification Sherloc (09022015). Collection method: clinical testing. Allele origin: germline.
Comment: This sequence change replaces arginine, which is basic and polar, with tryptophan, which is neutral and slightly polar, at codon 1538 of the PLEC protein (p.Arg1538Trp). This variant is present in population databases (rs782303009, gnomAD 0.01%). This variant has not been reported in the literature in individuals affected with PLEC-related conditions. ClinVar contains an entry for this variant (Variation ID: 3761172). Invitae Evidence Modeling of protein sequence and biophysical properties (such as structural, functional, and spatial information, amino acid conservation, physicochemical variation, residue mobility, and thermodynamic stability) indicates that this missense variant is not expected to disrupt PLEC protein function with a negative predictive value of 80%. In summary, the available evidence is currently insufficient to determine the role of this variant in disease. Therefore, it has been classified as a Variant of Uncertain Significance.

PreventionGenetics, part of Exact Sciences
Classification: Uncertain significance for PLEC-related condition. Last evaluated: 2025-06-09. Review status: criteria provided, single submitter. Criteria: ACMG Guidelines, 2015. Collection method: clinical testing. Allele origin: germline.
Comment: The PLEC c.4612C>T variant is predicted to result in the amino acid substitution p.Arg1538Trp. To our knowledge, this variant has not been reported in the literature. This variant is reported in 0.011% of alleles in individuals of Ashkenazi Jewish descent in gnomAD. At this time, the clinical significance of this variant is uncertain due to the absence of conclusive functional and genetic evidence.